The following is an entry in ClinVar:

NM_000051.4(ATM):c.3121G>A (p.Ala1041Thr)

Gene: ATM (ATM serine/threonine kinase; plus strand). Cytogenetic location: 11q22.3.
Variant type: single nucleotide variant.
Coding change: c.3121G>A on transcript NM_000051.4 (MANE Select); coding-DNA position 3121, G replaced by A.
Protein change: p.Ala1041Thr; replaces alanine 1041 with threonine.
Molecular consequence: missense variant.
Genome position (GRCh38, 1-based): chr11:108,272,575, G>A. VCF-style: chr11-108272575-G-A. GRCh37 (hg19) VCF-style: chr11-108143302-G-A.
Other names: c.3121G>A, p.Ala1041Thr (NM_001351834.2); short protein forms A1041T.
Identifiers: ClinVar variation 822952 (VCV000822952.12), dbSNP rs748752687, ClinGen allele CA382515221.

ClinVar aggregate classification (germline): Uncertain significance. Review status: criteria provided, multiple submitters, no conflicts (2 of 4 stars). 3 submissions from 3 submitters: Uncertain significance (3). Last evaluated 2025-12-29.

Conditions:
Ataxia-telangiectasia syndrome (AT). Also called: Cerebello-oculocutaneous telangiectasia; Immunodeficiency with ataxia telangiectasia; Ataxia-telangiectasia, complementation group E; Ataxia-telangiectasia, complementation group D; AT, COMPLEMENTATION GROUP C; ATAXIA-TELANGIECTASIA, COMPLEMENTATION GROUP A. Identifiers: Orphanet 100, MedGen C0004135, MONDO:0008840, OMIM 208900.
Hereditary cancer-predisposing syndrome. Also called: Hereditary Cancer Syndrome; Neoplastic Syndromes, Hereditary; Hereditary neoplastic syndrome; Tumor predisposition. Identifiers: Orphanet 140162, MedGen C0027672, MeSH D009386, MONDO:0015356.

Submissions (3):

Center for Genomic Medicine, Rigshospitalet, Copenhagen University Hospital
Classification: Uncertain significance. Last evaluated: 2025-12-29. Review status: criteria provided, single submitter. Criteria: ACMG Guidelines, 2015. Collection method: clinical testing. Allele origin: germline.
Comment: Classification criteria: PM2_supporting

Labcorp Genetics (formerly Invitae), Labcorp
Classification: Uncertain significance for Ataxia-telangiectasia syndrome. Last evaluated: 2021-08-06. Review status: criteria provided, single submitter. Criteria: Invitae Variant Classification Sherloc (09022015). Collection method: clinical testing. Allele origin: germline.
Comment: This sequence change replaces alanine with threonine at codon 1041 of the ATM protein (p.Ala1041Thr). The alanine residue is moderately conserved and there is a small physicochemical difference between alanine and threonine. This variant is not present in population databases (ExAC no frequency). This variant has not been reported in the literature in individuals affected with ATM-related conditions. ClinVar contains an entry for this variant (Variation ID: 822952). Advanced modeling of protein sequence and biophysical properties (such as structural, functional, and spatial information, amino acid conservation, physicochemical variation, residue mobility, and thermodynamic stability) performed at Invitae indicates that this missense variant is not expected to disrupt ATM protein function. In summary, the available evidence is currently insufficient to determine the role of this variant in disease. Therefore, it has been classified as a Variant of Uncertain Significance.

Ambry Genetics
Classification: Uncertain significance for Hereditary cancer-predisposing syndrome. Last evaluated: 2018-08-02. Review status: criteria provided, single submitter. Criteria: Ambry Variant Classification Scheme 2023. Collection method: clinical testing. Allele origin: germline.
Comment: The p.A1041T variant (also known as c.3121G>A), located in coding exon 20 of the ATM gene, results from a G to A substitution at nucleotide position 3121. The alanine at codon 1041 is replaced by threonine, an amino acid with similar properties. This amino acid position is well conserved in available vertebrate species. In addition, the in silico prediction for this alteration is inconclusive. Since supporting evidence is limited at this time, the clinical significance of this alteration remains unclear.